The following is an entry in ClinVar:

ClinVar aggregate classification (germline): Conflicting classifications of pathogenicity. Review status: criteria provided, conflicting classifications (1 of 4 stars). 4 submissions from 4 submitters: Uncertain significance (2); Likely benign (2). Last evaluated 2026-01-23.

Conditions:
Cardiovascular phenotype. Identifiers: MedGen CN230736.
Hypertrophic cardiomyopathy. Also called: HYPERTROPHIC MYOCARDIOPATHY. Identifiers: Orphanet 217569, MedGen C0007194, MeSH D002312, MONDO:0005045, HP:0001639.
Cardiomyopathy (CMYO). Also called: Cardiomyopathies. Identifiers: Orphanet 167848, MedGen C0878544, MONDO:0004994, HP:0001638. Inheritance: Various modes of inheritance.

Allele frequency attached by ClinVar (database versions not stated): gnomAD 0.00001; gnomAD exomes 0.00001.
gnomAD v4.1: 18 of 1,611,384 alleles (0.0011%); highest among the groups gnomAD compares: Non-Finnish European, 0.0014%; no homozygotes.

Submissions (4):

Ambry Genetics
Classification: Likely benign for Cardiovascular phenotype. Last evaluated: 2026-01-23. Review status: criteria provided, single submitter. Criteria: Ambry Variant Classification Scheme 2023. Collection method: clinical testing. Allele origin: germline.

Labcorp Genetics (formerly Invitae), Labcorp
Classification: Uncertain significance for Hypertrophic cardiomyopathy. Last evaluated: 2025-10-13. Review status: criteria provided, single submitter. Criteria: Invitae Variant Classification Sherloc (09022015). Collection method: clinical testing. Allele origin: germline.
Comment: This sequence change replaces isoleucine, which is neutral and non-polar, with valine, which is neutral and non-polar, at codon 852 of the MYBPC3 protein (p.Ile852Val). This variant is not present in population databases (gnomAD no frequency). This variant has not been reported in the literature in individuals affected with MYBPC3-related conditions. ClinVar contains an entry for this variant (Variation ID: 919506). An algorithm developed to predict the effect of missense changes on protein structure and function outputs the following: PolyPhen-2: "Benign". The valine amino acid residue is found in multiple mammalian species, which suggests that this missense change does not adversely affect protein function. In summary, the available evidence is currently insufficient to determine the role of this variant in disease. Therefore, it has been classified as a Variant of Uncertain Significance.

Molecular Diagnostic Laboratory for Inherited Cardiovascular Disease, Montreal Heart Institute
Classification: Uncertain significance for Cardiovascular phenotype. Last evaluated: 2025-04-09. Review status: criteria provided, single submitter. Criteria: ACMG Guidelines, 2015. Collection method: clinical testing. Allele origin: germline. Affected: yes.
Comment: PM2, BP4

Color Diagnostics, LLC DBA Color Health
Classification: Likely benign for Cardiomyopathy. Last evaluated: 2024-09-03. Review status: criteria provided, single submitter. Criteria: ACMG Guidelines, 2015. Collection method: clinical testing. Allele origin: germline.

NM_000256.3(MYBPC3):c.2554A>G (p.Ile852Val)

Gene: MYBPC3 (myosin binding protein C3; minus strand). Cytogenetic location: 11p11.2.
Variant type: single nucleotide variant.
Coding change: c.2554A>G on transcript NM_000256.3 (MANE Select); coding-DNA position 2554, A replaced by G.
Protein change: p.Ile852Val; replaces isoleucine 852 with valine.
Molecular consequence: missense variant.
Genome position (GRCh38, 1-based): chr11:47,337,439, T>C on the plus strand (A>G on the coding strand, the complement: MYBPC3 is on the minus strand). VCF-style: chr11-47337439-T-C. GRCh37 (hg19) VCF-style: chr11-47358990-T-C.
Other names: short protein forms I852V.
Identifiers: ClinVar variation 919506 (VCV000919506.6), dbSNP rs2095883374, ClinGen allele CA380318142.